The following is an entry in ClinVar:

NM_015046.7(SETX):c.7737C>T (p.Val2579=)

Gene: SETX (senataxin; minus strand). Cytogenetic location: 9q34.13.
Variant type: single nucleotide variant.
Coding change: c.7737C>T on transcript NM_015046.7 (MANE Select); coding-DNA position 7737, C replaced by T.
Protein change: p.Val2579=; no amino-acid change (valine 2579 retained).
Molecular consequence: synonymous variant.
Genome position (GRCh38, 1-based): chr9:132,264,536, G>A on the plus strand (C>T on the coding strand, the complement: SETX is on the minus strand). VCF-style: chr9-132264536-G-A. GRCh37 (hg19) VCF-style: chr9-135139923-G-A.
Other names: c.7737C>T, p.Val2579= (NM_001351527.2); c.7824C>T, p.Val2608= (NM_001351528.2).
Identifiers: ClinVar variation 708806 (VCV000708806.13), dbSNP rs780854409, ClinGen allele CA5296342.

ClinVar aggregate classification (germline): Likely benign. Review status: criteria provided, multiple submitters, no conflicts (2 of 4 stars). 3 submissions from 3 submitters: Likely benign (2). 1 of the submissions does not count toward it. Last evaluated 2025-06-01.

Conditions:
SETX-related disorder. Also called: SETX-related disorders; SETX-related condition. Identifiers: MedGen CN239403.

Allele frequency attached by ClinVar (database versions not stated): ExAC 0.00001; gnomAD 0.00001; gnomAD exomes 0.00001; TOPMed 0.00002.
gnomAD v4.1: 32 of 1,613,872 alleles (0.002%); highest among the groups gnomAD compares: South Asian, 0.011%; 1 homozygote.

Submissions (3):

CeGaT Center for Human Genetics Tuebingen
Classification: Likely benign. Last evaluated: 2025-06-01. Review status: criteria provided, single submitter. Criteria: CeGaT Center For Human Genetics Tuebingen Variant Classification Criteria Version 2. Collection method: clinical testing. Allele origin: germline. Affected: yes. Observed: 1 variant allele.
Comment: SETX: BP4, BP7

Labcorp Genetics (formerly Invitae), Labcorp
Classification: Likely benign. Last evaluated: 2017-09-08. Review status: criteria provided, single submitter. Criteria: Invitae Variant Classification Sherloc (09022015). Collection method: clinical testing. Allele origin: germline.

PreventionGenetics, part of Exact Sciences
Classification: Likely benign for SETX-related condition. Last evaluated: 2020-04-17. Review status: no assertion criteria provided. Collection method: clinical testing. Allele origin: germline. Not counted in ClinVar's aggregate classification.
Comment: This variant is classified as likely benign based on ACMG/AMP sequence variant interpretation guidelines (Richards et al. 2015 PMID: 25741868, with internal and published modifications).